The following is an entry in ClinVar:

ClinVar aggregate classification (germline): Uncertain significance (1 of 4 stars; one submission).

Conditions:
VPS13B-related disorder. Also called: VPS13B-related condition.

gnomAD v4.1: 11 of 1,614,026 alleles (0.00068%); highest among the groups gnomAD compares: Non-Finnish European, 0.00093%; no homozygotes.

Submission:

PreventionGenetics, part of Exact Sciences
Classification: Uncertain significance for VPS13B-related condition. Last evaluated: 2026-08-31. Review status: criteria provided, single submitter. Criteria: ACMG Guidelines, 2015. Collection method: clinical testing. Allele origin: germline.
Comment: The VPS13B c.7489T>C variant is predicted to result in the amino acid substitution p.Tyr2497His. To our knowledge, this variant has not been reported in the literature. This variant is reported in 0.00088% of alleles in individuals of European (Non-Finnish) descent in gnomAD. At this time, the clinical significance of this variant is uncertain due to the absence of conclusive functional and genetic evidence.

NM_152564.5(VPS13B):c.7489T>C (p.Tyr2497His)

Gene: VPS13B (vacuolar protein sorting 13 homolog B; plus strand). Cytogenetic location: 8q22.2.
Variant type: single nucleotide variant.
Coding change: c.7489T>C on transcript NM_152564.5 (MANE Select); coding-DNA position 7489, T replaced by C.
Protein change: p.Tyr2497His; replaces tyrosine 2497 with histidine.
Molecular consequence: missense variant.
Genome position (GRCh38, 1-based): chr8:99,778,741, T>C. VCF-style: chr8-99778741-T-C. GRCh37 (hg19) VCF-style: chr8-100790969-T-C.
Other names: c.7564T>C, p.Tyr2522His (NM_017890.5); short protein forms Y2522H, Y2497H.
Identifiers: ClinVar variation 4984883 (VCV004984883.1).